The following is an entry in ClinVar:

NM_000744.7(CHRNA4):c.1700C>T (p.Ala567Val)

Gene: CHRNA4 (cholinergic receptor nicotinic alpha 4 subunit; minus strand). Cytogenetic location: 20q13.33.
Variant type: single nucleotide variant.
Coding change: c.1700C>T on transcript NM_000744.7 (MANE Select); coding-DNA position 1700, C replaced by T.
Protein change: p.Ala567Val; replaces alanine 567 with valine.
Molecular consequence: missense variant. On other transcripts: non-coding transcript variant (1).
Genome position (GRCh38, 1-based): chr20:63,349,711, G>A on the plus strand (C>T on the coding strand, the complement: CHRNA4 is on the minus strand). VCF-style: chr20-63349711-G-A. GRCh37 (hg19) VCF-style: chr20-61981063-G-A.
Other names: p.A567V:GCG>GTG; c.1172C>T, p.Ala391Val (NM_001256573.2); short protein forms A567V, A391V.
Identifiers: ClinVar variation 205036 (VCV000205036.13), dbSNP rs76895198, ClinGen allele CA313591.

ClinVar aggregate classification (germline): Conflicting classifications of pathogenicity. Review status: criteria provided, conflicting classifications (1 of 4 stars). 3 submissions from 3 submitters: Uncertain significance (1); Likely benign (2). Last evaluated 2025-03-26.

Conditions:
Familial sleep-related hypermotor epilepsy. Also called: Autosomal Dominant Sleep-Related Hypermotor (Hyperkinetic) Epilepsy. Identifiers: Orphanet 98784, MedGen C3696898, MONDO:0000030.

Allele frequency attached by ClinVar (database versions not stated): 1000 Genomes Project 0.00020; 1000 Genomes Project 30x 0.00031.
gnomAD v4.1: 73 of 1,612,842 alleles (0.0045%); highest among the groups gnomAD compares: Middle Eastern, 0.033%; no homozygotes.

Submissions (3):

Athena Diagnostics
Classification: Likely benign. Last evaluated: 2025-03-26. Review status: criteria provided, single submitter. Criteria: Athena Diagnostics Criteria. Collection method: clinical testing. Allele origin: unknown.
Comment: The frequency of this variant in the general population is higher than would generally be expected for pathogenic variants in this gene.

Labcorp Genetics (formerly Invitae), Labcorp
Classification: Likely benign. Last evaluated: 2024-12-22. Review status: criteria provided, single submitter. Criteria: Invitae Variant Classification Sherloc (09022015). Collection method: clinical testing. Allele origin: germline.

GeneDx
Classification: Uncertain significance. Last evaluated: 2015-01-06. Review status: criteria provided, single submitter. Criteria: GeneDx Variant Classification (06012015). Collection method: clinical testing. Allele origin: germline. Affected: yes.
Comment: p.Ala567Val (GCG>GTG): c.1700 C>T in exon 5 of the CHRNA4 gene (NM_000744.5) The A567V variant has not been published as a mutation, nor has it been reported as a benign polymorphism to our knowledge. It was not observed in approximately 6,500 individuals of European and African American ancestry in the NHLBI Exome Sequencing Project, indicating it is not a common benign variant in these populations. The A567V variant is a conservative amino acid substitution, which is not likely to impact secondary protein structure as these residues share similar properties. This substitution occurs at a position that is conserved across species, and in silico analysis predicts this variant is probably damaging to the protein structure/function. However, this amino acid substitution is not predicted to occur within the transmembrane region of the protein, where the vast majority of pathogenic missense mutations have been identified in association with epilepsy (Steinlein et al., 2010). Therefore, based on the currently available information, it is unclear whether this variant is a pathogenic mutation or a rare benign variant. The variant is found in CHILD-EPIV2-1 panel(s).